The following is an entry in ClinVar:

ClinVar aggregate classification (germline): Uncertain significance. Review status: criteria provided, single submitter (1 of 4 stars). 2 submissions from 2 submitters: Uncertain significance (1). 1 of the submissions does not count toward it. Last evaluated 2019-12-27.

Conditions:
Primary ciliary dyskinesia. Also called: Ciliary dyskinesia. Identifiers: Orphanet 244, MedGen C0008780, MONDO:0016575, HP:0012265.

Allele frequency attached by ClinVar (database versions not stated): TOPMed 0.00001.
gnomAD v4.1: 6 of 1,612,200 alleles (0.00037%); highest among the groups gnomAD compares: Non-Finnish European, 0.00017%; no homozygotes.

Submissions (2):

Labcorp Genetics (formerly Invitae), Labcorp
Classification: Uncertain significance for Primary ciliary dyskinesia. Last evaluated: 2019-12-27. Review status: criteria provided, single submitter. Criteria: Invitae Variant Classification Sherloc (09022015). Collection method: clinical testing. Allele origin: germline.
Comment: In summary, the available evidence is currently insufficient to determine the role of this variant in disease. Therefore, it has been classified as a Variant of Uncertain Significance. Nucleotide substitutions within the consensus splice site are a relatively common cause of aberrant splicing (PMID: 17576681, 9536098). Algorithms developed to predict the effect of sequence changes on RNA splicing suggest that this variant may disrupt the consensus splice site, but this prediction has not been confirmed by published transcriptional studies. This variant has not been reported in the literature in individuals with DNAH5-related conditions. The frequency data for this variant in the population databases is considered unreliable, as metrics indicate poor data quality at this position in the ExAC database. This sequence change falls in intron 52 of the DNAH5 gene. It does not directly change the encoded amino acid sequence of the DNAH5 protein, but it affects a nucleotide within the consensus splice site of the intron.

Natera, Inc.
Classification: Uncertain significance for Primary ciliary dyskinesia. Last evaluated: 2020-09-16. Review status: no assertion criteria provided. Collection method: clinical testing. Allele origin: germline. Not counted in ClinVar's aggregate classification.

Literature cited by the submitters: PubMed 17576681 (cited by Labcorp Genetics (formerly Invitae), Labcorp); PubMed 9536098 (cited by Labcorp Genetics (formerly Invitae), Labcorp).

NM_001369.3(DNAH5):c.8820+6G>A

Gene: DNAH5 (dynein axonemal heavy chain 5; minus strand). Cytogenetic location: 5p15.2.
Variant type: single nucleotide variant.
Coding change: c.8820+6G>A on transcript NM_001369.3 (MANE Select); 6 bases into the intron after coding-DNA position 8820, G replaced by A.
Molecular consequence: intron variant.
Genome position (GRCh38, 1-based): chr5:13,786,173, C>T on the plus strand (G>A on the coding strand, the complement: DNAH5 is on the minus strand). VCF-style: chr5-13786173-C-T. GRCh37 (hg19) VCF-style: chr5-13786282-C-T.
Identifiers: ClinVar variation 850479 (VCV000850479.7), dbSNP rs201287534, ClinGen allele CA3202722.